The following is an entry in ClinVar:

ClinVar aggregate classification (germline): Uncertain significance (1 of 4 stars; one submission).

Submission:

Labcorp Genetics (formerly Invitae), Labcorp
Classification: Uncertain significance. Last evaluated: 2024-03-04. Review status: criteria provided, single submitter. Criteria: Invitae Variant Classification Sherloc (09022015). Collection method: clinical testing. Allele origin: germline.
Comment: This sequence change falls in intron 7 of the TBC1D8B gene. It does not directly change the encoded amino acid sequence of the TBC1D8B protein. This variant is not present in population databases (gnomAD no frequency). This variant has not been reported in the literature in individuals affected with TBC1D8B-related conditions. ClinVar contains an entry for this variant (Variation ID: 2103264). Algorithms developed to predict the effect of sequence changes on RNA splicing suggest that this variant may disrupt the consensus splice site. In summary, the available evidence is currently insufficient to determine the role of this variant in disease. Therefore, it has been classified as a Variant of Uncertain Significance.

NM_017752.3(TBC1D8B):c.1204-5T>A

Gene: TBC1D8B (TBC1 domain family member 8B; plus strand). Cytogenetic location: Xq22.3.
Variant type: single nucleotide variant.
Coding change: c.1204-5T>A on transcript NM_017752.3 (MANE Select); 5 bases into the intron before coding-DNA position 1204, T replaced by A.
Molecular consequence: intron variant.
Genome position (GRCh38, 1-based): chrX:106,839,303, T>A. VCF-style: chrX-106839303-T-A. GRCh37 (hg19) VCF-style: chrX-106082533-T-A.
Other names: c.1204-5T>A (NM_198881.2).
Identifiers: ClinVar variation 2103264 (VCV002103264.4), dbSNP rs2521623500, ClinGen allele CA2580100128.
Genomic context (GRCh38, chrX:106,839,303, plus strand): 5'-AGAACTTTTTTTTCTTGTAGAAACGTAAGCATGCATCTGGGACAACTACATTCTTTCTTT[T>A]TCAGCTTGCTATTAGTTCTGAGTCTACAGAGCCATCTGATAATTTTGAGGTGCAATCTTT-3'